The following is an entry in ClinVar:

NM_133433.4(NIPBL):c.6194T>G (p.Phe2065Cys)

Gene: NIPBL (NIPBL cohesin loading factor; plus strand). Cytogenetic location: 5p13.2.
Variant type: single nucleotide variant.
Coding change: c.6194T>G on transcript NM_133433.4 (MANE Select); coding-DNA position 6194, T replaced by G.
Protein change: p.Phe2065Cys; replaces phenylalanine 2065 with cysteine.
Molecular consequence: missense variant.
Genome position (GRCh38, 1-based): chr5:37,044,432, T>G. VCF-style: chr5-37044432-T-G. GRCh37 (hg19) VCF-style: chr5-37044534-T-G.
Other names: c.6194T>G, p.Phe2065Cys (NM_001438586.1, NM_015384.5); short protein forms F2065C.
Identifiers: ClinVar variation 4861065 (VCV004861065.1).

ClinVar aggregate classification (germline): Uncertain significance (1 of 4 stars; one submission).

Conditions:
Inborn genetic diseases. Identifiers: MedGen C0950123, MeSH D030342.

Submission:

Ambry Genetics
Classification: Uncertain significance for Inborn genetic diseases. Last evaluated: 2026-06-12. Review status: criteria provided, single submitter. Criteria: Ambry Variant Classification Scheme 2023. Collection method: clinical testing. Allele origin: germline.
Comment: The c.6194T>G (p.F2065C) alteration is located in exon 35 (coding exon 34) of the NIPBL gene. This alteration results from a T to G substitution at nucleotide position 6194, causing the phenylalanine (F) at amino acid position 2065 to be replaced by a cysteine (C). This variant was not reported in population-based cohorts in the Genome Aggregation Database (gnomAD). This amino acid position is highly conserved in available vertebrate species. This missense variant is located in a region that has a low rate of benign missense variation (Lek, 2016; Firth, 2009). This alteration is predicted to be deleterious by in silico analysis. Based on insufficient or conflicting evidence, the clinical significance of this alteration remains unclear.